The following is an entry in ClinVar:

ClinVar aggregate classification (germline): Uncertain significance (1 of 4 stars; one submission).

Submission:

Labcorp Genetics (formerly Invitae), Labcorp
Classification: Uncertain significance. Last evaluated: 2024-12-07. Review status: criteria provided, single submitter. Criteria: Invitae Variant Classification Sherloc (09022015). Collection method: clinical testing. Allele origin: germline.
Comment: This sequence change replaces glutamine, which is neutral and polar, with histidine, which is basic and polar, at codon 383 of the MCM4 protein (p.Gln383His). This variant is not present in population databases (gnomAD no frequency). This variant has not been reported in the literature in individuals affected with MCM4-related conditions. ClinVar contains an entry for this variant (Variation ID: 1060217). Invitae Evidence Modeling of protein sequence and biophysical properties (such as structural, functional, and spatial information, amino acid conservation, physicochemical variation, residue mobility, and thermodynamic stability) indicates that this missense variant is not expected to disrupt MCM4 protein function with a negative predictive value of 80%. In summary, the available evidence is currently insufficient to determine the role of this variant in disease. Therefore, it has been classified as a Variant of Uncertain Significance.

NM_182746.3(MCM4):c.1149G>C (p.Gln383His)

Gene: MCM4 (minichromosome maintenance complex component 4; plus strand). Cytogenetic location: 8q11.21.
Variant type: single nucleotide variant.
Coding change: c.1149G>C on transcript NM_182746.3 (MANE Select); coding-DNA position 1149, G replaced by C.
Protein change: p.Gln383His; replaces glutamine 383 with histidine.
Molecular consequence: missense variant.
Genome position (GRCh38, 1-based): chr8:47,967,460, G>C. VCF-style: chr8-47967460-G-C. GRCh37 (hg19) VCF-style: chr8-48880020-G-C.
Other names: c.1149G>C, p.Gln383His (NM_005914.4); short protein forms Q383H.
Identifiers: ClinVar variation 1060217 (VCV001060217.6), dbSNP rs2090910852, ClinGen allele CA371150116.